The following is an entry in ClinVar:

NM_004727.3(SLC24A1):c.1338T>G (p.Ser446Arg)

Gene: SLC24A1 (solute carrier family 24 member 1; plus strand). Cytogenetic location: 15q22.31.
Variant type: single nucleotide variant.
Coding change: c.1338T>G on transcript NM_004727.3 (MANE Select); coding-DNA position 1338, T replaced by G.
Protein change: p.Ser446Arg; replaces serine 446 with arginine.
Molecular consequence: missense variant.
Genome position (GRCh38, 1-based): chr15:65,625,418, T>G. VCF-style: chr15-65625418-T-G. GRCh37 (hg19) VCF-style: chr15-65917756-T-G.
Other names: c.1338T>G, p.Ser446Arg (NM_001301031.1, NM_001301032.1, NM_001301033.2 and 1 more transcripts); short protein forms S446R.
Identifiers: ClinVar variation 2106291 (VCV002106291.4), dbSNP rs2074475073, ClinGen allele CA392917251.

ClinVar aggregate classification (germline): Uncertain significance (1 of 4 stars; one submission).

Allele frequency attached by ClinVar (database versions not stated): gnomAD exomes below 0.00001; TOPMed below 0.00001; gnomAD 0.00001.
gnomAD v4.1: 5 of 1,613,850 alleles (0.00031%); highest among the groups gnomAD compares: Non-Finnish European, 0.00034%; no homozygotes.

Submission:

Labcorp Genetics (formerly Invitae), Labcorp
Classification: Uncertain significance. Last evaluated: 2022-03-04. Review status: criteria provided, single submitter. Criteria: Invitae Variant Classification Sherloc (09022015). Collection method: clinical testing. Allele origin: germline.
Comment: This sequence change replaces serine, which is neutral and polar, with arginine, which is basic and polar, at codon 446 of the SLC24A1 protein (p.Ser446Arg). This variant is not present in population databases (gnomAD no frequency). This variant has not been reported in the literature in individuals affected with SLC24A1-related conditions. Algorithms developed to predict the effect of missense changes on protein structure and function are either unavailable or do not agree on the potential impact of this missense change (SIFT: "Deleterious"; PolyPhen-2: "Benign"; Align-GVGD: "Class C15"). In summary, the available evidence is currently insufficient to determine the role of this variant in disease. Therefore, it has been classified as a Variant of Uncertain Significance.